The following is an entry in ClinVar:

NM_006231.4(POLE):c.574T>C (p.Ser192Pro)

Gene: POLE (DNA polymerase epsilon, catalytic subunit; minus strand). Cytogenetic location: 12q24.33.
Variant type: single nucleotide variant.
Coding change: c.574T>C on transcript NM_006231.4 (MANE Select); coding-DNA position 574, T replaced by C.
Protein change: p.Ser192Pro; replaces serine 192 with proline.
Molecular consequence: missense variant.
Genome position (GRCh38, 1-based): chr12:132,679,501, A>G on the plus strand (T>C on the coding strand, the complement: POLE is on the minus strand). VCF-style: chr12-132679501-A-G. GRCh37 (hg19) VCF-style: chr12-133256087-A-G.
Other names: short protein forms S192P.
Identifiers: ClinVar variation 473760 (VCV000473760.11), dbSNP rs1555230047, ClinGen allele CA387366604.

ClinVar aggregate classification (germline): Uncertain significance. Review status: criteria provided, multiple submitters, no conflicts (2 of 4 stars). 2 submissions from 2 submitters: Uncertain significance (2). Last evaluated 2022-10-08.

Conditions:
Hereditary cancer-predisposing syndrome. Also called: Neoplastic Syndromes, Hereditary; Tumor predisposition; Hereditary Cancer Syndrome; Hereditary neoplastic syndrome. Identifiers: Orphanet 140162, MedGen C0027672, MeSH D009386, MONDO:0015356.

Submissions (2):

Labcorp Genetics (formerly Invitae), Labcorp
Classification: Uncertain significance. Last evaluated: 2022-10-08. Review status: criteria provided, single submitter. Criteria: Invitae Variant Classification Sherloc (09022015). Collection method: clinical testing. Allele origin: germline.
Comment: Advanced modeling of protein sequence and biophysical properties (such as structural, functional, and spatial information, amino acid conservation, physicochemical variation, residue mobility, and thermodynamic stability) performed at Invitae indicates that this missense variant is not expected to disrupt POLE protein function. This variant is not present in population databases (gnomAD no frequency). This variant has not been reported in the literature in individuals affected with POLE-related conditions. ClinVar contains an entry for this variant (Variation ID: 473760). In summary, the available evidence is currently insufficient to determine the role of this variant in disease. Therefore, it has been classified as a Variant of Uncertain Significance. This sequence change replaces serine, which is neutral and polar, with proline, which is neutral and non-polar, at codon 192 of the POLE protein (p.Ser192Pro).

Ambry Genetics
Classification: Uncertain significance for Hereditary cancer-predisposing syndrome. Last evaluated: 2022-01-01. Review status: criteria provided, single submitter. Criteria: Ambry Variant Classification Scheme 2023. Collection method: clinical testing. Allele origin: germline.
Comment: The p.S192P variant (also known as c.574T>C), located in coding exon 6 of the POLE gene, results from a T to C substitution at nucleotide position 574. The serine at codon 192 is replaced by proline, an amino acid with similar properties. This amino acid position is conserved. In addition, this alteration is predicted to be tolerated by in silico analysis. Since supporting evidence is limited at this time, the clinical significance of this alteration remains unclear.